The following is an entry in ClinVar:

NM_001184880.2(PCDH19):c.424G>C (p.Ala142Pro)

Gene: PCDH19 (protocadherin 19; minus strand). Cytogenetic location: Xq22.1.
Variant type: single nucleotide variant.
Coding change: c.424G>C on transcript NM_001184880.2 (MANE Select); coding-DNA position 424, G replaced by C.
Protein change: p.Ala142Pro; replaces alanine 142 with proline.
Molecular consequence: missense variant.
Genome position (GRCh38, 1-based): chrX:100,408,174, C>G on the plus strand (G>C on the coding strand, the complement: PCDH19 is on the minus strand). VCF-style: chrX-100408174-C-G. GRCh37 (hg19) VCF-style: chrX-99663172-C-G.
Other names: p.A142P:GCC>CCC; c.424G>C, p.Ala142Pro (NM_001105243.2, NM_020766.3); short protein forms A142P.
Identifiers: ClinVar variation 206312 (VCV000206312.2), dbSNP rs796052798, ClinGen allele CA316293.

ClinVar aggregate classification (germline): Likely pathogenic (1 of 4 stars; one submission).

Submission:

GeneDx
Classification: Likely pathogenic. Last evaluated: 2014-04-16. Review status: criteria provided, single submitter. Criteria: GeneDx Variant Classification (06012015). Collection method: clinical testing. Allele origin: germline. Affected: yes.
Comment: This variant is denoted p.Ala142Pro (GCC>CCC): c.424 G>C in exon 1 of the PCDH19 gene (NM_001105243.1). The A142P variant has not been published as a mutation, nor has it been reported as a benign polymorphism to our knowledge. It was not observed in approximately 6,300 individuals of European and African American ancestry in the NHLBI Exome Sequencing Project, indicating it is not a common benign variant in these populations. The A142P variant is a semi-conservative amino acid substitution, which may impact secondary protein structure as these residues differ in some properties. This substitution occurs at a position that is conserved across species, and in silico analysis predicts A142P is probably damaging to the protein structure/function. Missense mutations in nearby residues (S139L and T146R) have been reported in association with PCDH19-related disorders, supporting the functional importance of this region of the protein. Therefore, the A142P variant is a strong candidate for a pathogenic mutation, however the possibility that it is a benign variant cannot be excluded. The variant is found in INFANT-EPI panel(s).